The following is an entry in ClinVar:

NM_020066.5(FMN2):c.2730CCCTCC[3] (p.Pro914_Leu915insProPro)

Gene: FMN2 (formin 2; plus strand). Cytogenetic location: 1q43.
Variant type: Microsatellite.
Coding change: c.2730CCCTCC[3] on transcript NM_020066.5 (MANE Select); three copies in a row of the 6-base unit CCCTCC starting at c.2730; the reference has two copies in a row; one copy, 6 bases duplicated.
Protein change: p.Pro914_Leu915insProPro.
Molecular consequence: intron variant (on NM_001348094.2).
Genome position (GRCh38, 1-based): chr1:240,207,548-240,207,553, CCCTCC duplicated; duplicating any 6 consecutive bases within chr1:240,207,540-240,207,553 gives the same sequence; the position shown is the placement nearest the transcript's 3' end. VCF-style (leftmost placement, unchanged base first): chr1-240207539-A-ACCCCCT. GRCh37 (hg19) VCF-style: chr1-240370839-A-ACCCCCT.
Other names: c.2742CCCTCC[3], p.Pro918_Leu919insProPro (NM_001305424.2); c.1986+19278CCCCCT[3] (NM_001348094.2).
Identifiers: ClinVar variation 3044686 (VCV003044686.1), dbSNP rs200863572, ClinGen allele CA1476695.

ClinVar aggregate classification (germline): Likely benign (1 of 4 stars; one submission).

Conditions:
FMN2-related disorder. Also called: FMN2-related condition.

Submission:

PreventionGenetics, part of Exact Sciences
Classification: Likely benign for FMN2-related condition. Last evaluated: 2019-06-26. Review status: criteria provided, single submitter. Criteria: ACMG Guidelines, 2015. Collection method: clinical testing. Allele origin: germline.
Comment: This variant is classified as likely benign based on ACMG/AMP sequence variant interpretation guidelines (Richards et al. 2015 PMID: 25741868, with internal and published modifications).